The following is an entry in ClinVar:

NM_199242.3(UNC13D):c.2413A>G (p.Met805Val)

Gene: UNC13D (unc-13 homolog D; minus strand). Cytogenetic location: 17q25.1.
Variant type: single nucleotide variant.
Coding change: c.2413A>G on transcript NM_199242.3 (MANE Select); coding-DNA position 2413, A replaced by G.
Protein change: p.Met805Val; replaces methionine 805 with valine.
Molecular consequence: missense variant.
Genome position (GRCh38, 1-based): chr17:75,833,000, T>C on the plus strand (A>G on the coding strand, the complement: UNC13D is on the minus strand). VCF-style: chr17-75833000-T-C. GRCh37 (hg19) VCF-style: chr17-73829081-T-C.
Other names: short protein forms M805V.
Identifiers: ClinVar variation 2122180 (VCV002122180.4), dbSNP rs1384575409, ClinGen allele CA401084855.

ClinVar aggregate classification (germline): Uncertain significance (1 of 4 stars; one submission).

Conditions:
Familial hemophagocytic lymphohistiocytosis 3 (FHL3). Also called: UNC13D-Related Familial Hemophagocytic Lymphohistiocytosis (UNC13D-fHLH). Identifiers: Orphanet 540, MedGen C1837174, MONDO:0012146, OMIM 608898.

Submission:

Labcorp Genetics (formerly Invitae), Labcorp
Classification: Uncertain significance for Familial hemophagocytic lymphohistiocytosis 3. Last evaluated: 2022-04-06. Review status: criteria provided, single submitter. Criteria: Invitae Variant Classification Sherloc (09022015). Collection method: clinical testing. Allele origin: germline.
Comment: This sequence change replaces methionine, which is neutral and non-polar, with valine, which is neutral and non-polar, at codon 805 of the UNC13D protein (p.Met805Val). This variant is not present in population databases (gnomAD no frequency). This variant has not been reported in the literature in individuals affected with UNC13D-related conditions. Algorithms developed to predict the effect of missense changes on protein structure and function are either unavailable or do not agree on the potential impact of this missense change (SIFT: "Not Available"; PolyPhen-2: "Benign"; Align-GVGD: "Not Available"). In summary, the available evidence is currently insufficient to determine the role of this variant in disease. Therefore, it has been classified as a Variant of Uncertain Significance.